The following is an entry in ClinVar:

ClinVar aggregate classification (germline): Pathogenic (1 of 4 stars; one submission).

Conditions:
Duchenne muscular dystrophy (DMD). Also called: Duchenne Muscular Dystrophy (DMD); MUSCULAR DYSTROPHY, PSEUDOHYPERTROPHIC PROGRESSIVE, DUCHENNE TYPE. Identifiers: Orphanet 98896, MedGen C0013264, MONDO:0010679, OMIM 310200.

Submission:

Labcorp Genetics (formerly Invitae), Labcorp
Classification: Pathogenic for Duchenne muscular dystrophy. Last evaluated: 2019-09-20. Review status: criteria provided, single submitter. Criteria: Invitae Variant Classification Sherloc (09022015). Collection method: clinical testing. Allele origin: germline.
Comment: This variant results in a copy number gain of the genomic region encompassing exons 56-61 of the DMD gene. While the exact position of this variant cannot be determined from this data, sub-genic copy number gains are generally in tandem (PMID: 25640679) and may result in an absent or disrupted protein product. Copy number gains of exons 56-61 have been observed in individuals affected with Duchenne muscular dystrophy (PMID: 17854090, 31081998). Loss-of-function variants in DMD are known to be pathogenic (PMID: 16770791, 25007885). For these reasons, this variant has been classified as Pathogenic.

Literature cited by the submitters: PubMed 31081998; PubMed 17854090.

NC_000023.11:g.(?_31348546)_(31507463_?)dup

Gene: DMD (dystrophin; minus strand). Cytogenetic location: Xp21.2-21.1.
Variant type: Duplication.
Identifiers: ClinVar variation 831830 (VCV000831830.1).